The following is an entry in ClinVar:

ClinVar aggregate classification (germline): Likely pathogenic (1 of 4 stars; one submission).

Conditions:
Primary ciliary dyskinesia 3. Identifiers: Orphanet 244, MedGen C1837618, MONDO:0012085, OMIM 608644.

Submission:

Myriad Genetics, Inc.
Classification: Likely pathogenic for Primary ciliary dyskinesia 3. Last evaluated: 2022-03-30. Review status: criteria provided, single submitter. Criteria: Myriad Women's Health Autosomal Recessive and X-Linked Classification Criteria (2021). Collection method: clinical testing. Allele origin: unknown.
Comment: NM_001369.2(DNAH5):c.8340_8341delAA(K2780Nfs*13) is expected to be pathogenic in the context of DNAH5-related primary ciliary dyskinesia. This variant is predicted to lead to an abnormal or absent protein product due to the creation of a premature termination codon in DNAH5, a gene where loss-of-function variants are known to be pathogenic. Please note: this variant was assessed in the context of healthy population screening.

NM_001369.3(DNAH5):c.8340_8341del (p.Lys2780fs)

Gene: DNAH5 (dynein axonemal heavy chain 5; minus strand). Cytogenetic location: 5p15.2.
Variant type: Deletion.
Coding change: c.8340_8341del on transcript NM_001369.3 (MANE Select); coding-DNA positions 8340 to 8341, 2 bases deleted (AA; older notation c.8340_8341delAA).
Protein change: p.Lys2780fs; shifts the reading frame from lysine 2780.
Molecular consequence: frameshift variant.
Genome position (GRCh38, 1-based): chr5:13,792,101-13,792,102, TT deleted on the plus strand (AA on the coding strand, the reverse complement: DNAH5 is on the minus strand); deleting any 2 consecutive bases within chr5:13,792,101-13,792,104 gives the same sequence; the c. name uses the placement nearest the transcript's 3' end. VCF-style (leftmost placement, unchanged base first): chr5-13792100-ATT-A. GRCh37 (hg19) VCF-style: chr5-13792209-ATT-A.
Other names: short protein forms K2780fs.
Identifiers: ClinVar variation 1725599 (VCV001725599.2), dbSNP rs2546736986, ClinGen allele CA2580072137.